The following is an entry in ClinVar:

ClinVar aggregate classification (germline): Uncertain significance (1 of 4 stars; one submission).

gnomAD v4.1: 1 of 1,514,980 alleles (0.000066%); highest among the groups gnomAD compares: Non-Finnish European, 0.000088%; no homozygotes.

Submission:

GeneDx
Classification: Uncertain significance. Last evaluated: 2024-09-10. Review status: criteria provided, single submitter. Criteria: GeneDx Variant Classification Process June 2021. Collection method: clinical testing. Allele origin: germline. Affected: yes.
Comment: Not observed at significant frequency in large population cohorts (gnomAD); In silico analysis indicates that this missense variant does not alter protein structure/function; Has not been previously published as pathogenic or benign to our knowledge

NM_000718.4(CACNA1B):c.2522C>T (p.Ala841Val)

Gene: CACNA1B (calcium voltage-gated channel subunit alpha1 B; plus strand). Cytogenetic location: 9q34.3.
Variant type: single nucleotide variant.
Coding change: c.2522C>T on transcript NM_000718.4 (MANE Select); coding-DNA position 2522, C replaced by T.
Protein change: p.Ala841Val; replaces alanine 841 with valine.
Molecular consequence: missense variant.
Genome position (GRCh38, 1-based): chr9:138,023,265, C>T. VCF-style: chr9-138023265-C-T. GRCh37 (hg19) VCF-style: chr9-140917717-C-T.
Other names: c.2522C>T, p.Ala841Val (NM_001243812.2); short protein forms A841V.
Identifiers: ClinVar variation 3767457 (VCV003767457.1).